The following is an entry in ClinVar:

ClinVar aggregate classification (germline): Uncertain significance. Review status: criteria provided, multiple submitters, no conflicts (2 of 4 stars). 2 submissions from 2 submitters: Uncertain significance (2). Last evaluated 2025-10-29.

Conditions:
Kindler syndrome (KNDLRS). Also called: Poikiloderma of Kindler; Congenital bullous poikiloderma; POIKILODERMA, CONGENITAL, WITH BULLAE, WEARY TYPE; POIKILODERMA, HEREDITARY ACROKERATOTIC; BULLOUS ACROKERATOTIC POIKILODERMA OF KINDLER AND WEARY; Kindler's syndrome. Identifiers: Orphanet 2908, Orphanet 306539, MedGen C0406557, MONDO:0008260, OMIM 173650.

Allele frequency attached by ClinVar (database versions not stated): gnomAD 0.00004 and 0.00007; gnomAD exomes 0.00005 and 0.00008; TOPMed 0.00006; ExAC 0.00010; ESP Exome Variant Server 0.00015; 1000 Genomes Project 30x 0.00078; 1000 Genomes Project 0.00080.
gnomAD v4.1: 89 of 1,614,122 alleles (0.0055%); highest among the groups gnomAD compares: Middle Eastern, 0.066%; no homozygotes.

Submissions (2):

Labcorp Genetics (formerly Invitae), Labcorp
Classification: Uncertain significance. Last evaluated: 2025-10-29. Review status: criteria provided, single submitter. Criteria: Invitae Variant Classification Sherloc (09022015). Collection method: clinical testing. Allele origin: germline.
Comment: This sequence change replaces arginine, which is basic and polar, with cysteine, which is neutral and slightly polar, at codon 98 of the FERMT1 protein (p.Arg98Cys). This variant is present in population databases (rs141690919, gnomAD 0.03%). This variant has not been reported in the literature in individuals affected with FERMT1-related conditions. ClinVar contains an entry for this variant (Variation ID: 1408640). Invitae Evidence Modeling of protein sequence and biophysical properties (such as structural, functional, and spatial information, amino acid conservation, physicochemical variation, residue mobility, and thermodynamic stability) indicates that this missense variant is not expected to disrupt FERMT1 protein function with a negative predictive value of 80%. In summary, the available evidence is currently insufficient to determine the role of this variant in disease. Therefore, it has been classified as a Variant of Uncertain Significance.

Department of Pathology and Laboratory Medicine, Sinai Health System
Classification: Uncertain significance for Kindler syndrome. Last evaluated: 2023-06-28. Review status: criteria provided, single submitter. Criteria: ACMG Guidelines, 2015. Collection method: research. Allele origin: germline.

NM_017671.5(FERMT1):c.292C>T (p.Arg98Cys)

Gene: FERMT1 (FERM domain containing kindlin 1; minus strand). Cytogenetic location: 20p12.3.
Variant type: single nucleotide variant.
Coding change: c.292C>T on transcript NM_017671.5 (MANE Select); coding-DNA position 292, C replaced by T.
Protein change: p.Arg98Cys; replaces arginine 98 with cysteine.
Molecular consequence: missense variant.
Genome position (GRCh38, 1-based): chr20:6,115,904, G>A on the plus strand (C>T on the coding strand, the complement: FERMT1 is on the minus strand). VCF-style: chr20-6115904-G-A. GRCh37 (hg19) VCF-style: chr20-6096551-G-A.
Other names: short protein forms R98C.
Identifiers: ClinVar variation 1408640 (VCV001408640.9), dbSNP rs141690919, ClinGen allele CA9758497.